The following is an entry in ClinVar:

NM_005677.4(COLQ):c.404G>C (p.Gly135Ala)

Gene: COLQ (collagen like tail subunit of asymmetric acetylcholinesterase; minus strand). Cytogenetic location: 3p25.1.
Variant type: single nucleotide variant.
Coding change: c.404G>C on transcript NM_005677.4 (MANE Select); coding-DNA position 404, G replaced by C.
Protein change: p.Gly135Ala; replaces glycine 135 with alanine.
Molecular consequence: missense variant.
Genome position (GRCh38, 1-based): chr3:15,477,187, C>G on the plus strand (G>C on the coding strand, the complement: COLQ is on the minus strand). VCF-style: chr3-15477187-C-G. GRCh37 (hg19) VCF-style: chr3-15518694-C-G.
Other names: c.374G>C, p.Gly125Ala (NM_080538.2); c.302G>C, p.Gly101Ala (NM_080539.4); short protein forms G125A, G135A, G101A.
Identifiers: ClinVar variation 1041880 (VCV001041880.9), dbSNP rs1443896327, ClinGen allele CA351599407.

ClinVar aggregate classification (germline): Uncertain significance (1 of 4 stars; one submission).

Conditions:
Congenital myasthenic syndrome 5. Identifiers: Orphanet 590, MedGen C1864233, MONDO:0011281, OMIM 603034.

Allele frequency attached by ClinVar (database versions not stated): gnomAD exomes below 0.00001; TOPMed below 0.00001.
gnomAD v4.1: 1 of 1,605,380 alleles (0.000062%); highest among the groups gnomAD compares: Admixed American, 0.0017%; no homozygotes.

Submission:

Labcorp Genetics (formerly Invitae), Labcorp
Classification: Uncertain significance for Congenital myasthenic syndrome 5. Last evaluated: 2020-01-21. Review status: criteria provided, single submitter. Criteria: Invitae Variant Classification Sherloc (09022015). Collection method: clinical testing. Allele origin: germline.
Comment: Algorithms developed to predict the effect of missense changes on protein structure and function are either unavailable or do not agree on the potential impact of this missense change (SIFT: "Deleterious"; PolyPhen-2: "Not Available"; Align-GVGD: "Class C55"). This variant has not been reported in the literature in individuals with COLQ-related conditions. This variant is not present in population databases (ExAC no frequency). This sequence change replaces glycine with alanine at codon 135 of the COLQ protein (p.Gly135Ala). The glycine residue is highly conserved and there is a small physicochemical difference between glycine and alanine. In summary, the available evidence is currently insufficient to determine the role of this variant in disease. Therefore, it has been classified as a Variant of Uncertain Significance.